The following is an entry in ClinVar:

NM_001048174.2(MUTYH):c.680G>C (p.Ser227Thr)

Gene: MUTYH (mutY DNA glycosylase; minus strand). Cytogenetic location: 1p34.1.
Variant type: single nucleotide variant.
Coding change: c.680G>C on transcript NM_001048174.2 (MANE Select); coding-DNA position 680, G replaced by C.
Protein change: p.Ser227Thr; replaces serine 227 with threonine.
Molecular consequence: missense variant. On other transcripts: non-coding transcript variant (7).
Genome position (GRCh38, 1-based): chr1:45,332,415, C>G on the plus strand (G>C on the coding strand, the complement: MUTYH is on the minus strand). VCF-style: chr1-45332415-C-G. GRCh37 (hg19) VCF-style: chr1-45798087-C-G.
Other names: c.680G>C, p.Ser227Thr (NM_001048173.2, NM_001293195.2, NM_001407081.1 and 6 more transcripts); c.764G>C, p.Ser255Thr (NM_001128425.2); c.725G>C, p.Ser242Thr (NM_001293190.2); c.713G>C, p.Ser238Thr (NM_001293191.2, NM_001407069.1, NM_001407077.1); c.404G>C, p.Ser135Thr (NM_001293192.2, NM_001293196.2, NM_001407091.1); c.641G>C, p.Ser214Thr (NM_001407079.1); c.638G>C, p.Ser213Thr (NM_001407080.1); c.335G>C, p.Ser112Thr (NM_001407082.1, NM_001350650.2, NM_001350651.2); and 5 more; short protein forms S199T, S228T, S234T, S135T, S252T, S112T, S213T, S214T.
Identifiers: ClinVar variation 4113817 (VCV004113817.1).

ClinVar aggregate classification (germline): Uncertain significance (1 of 4 stars; one submission).

Conditions:
Hereditary cancer-predisposing syndrome. Also called: Hereditary neoplastic syndrome; Neoplastic Syndromes, Hereditary; Tumor predisposition; Hereditary Cancer Syndrome. Identifiers: Orphanet 140162, MedGen C0027672, MeSH D009386, MONDO:0015356.

Submission:

Ambry Genetics
Classification: Uncertain significance for Hereditary cancer-predisposing syndrome. Last evaluated: 2025-08-27. Review status: criteria provided, single submitter. Criteria: Ambry Variant Classification Scheme 2023. Collection method: clinical testing. Allele origin: germline.
Comment: The p.S255T variant (also known as c.764G>C), located in coding exon 9 of the MUTYH gene, results from a G to C substitution at nucleotide position 764. The serine at codon 255 is replaced by threonine, an amino acid with similar properties. This amino acid position is conserved. In addition, this alteration is predicted to be tolerated by in silico analysis. Based on the available evidence, the clinical significance of this variant remains unclear.